The following is an entry in ClinVar:

NM_020699.4(GATAD2B):c.1108C>A (p.Pro370Thr)

Gene: GATAD2B (GATA zinc finger domain containing 2B; minus strand). Cytogenetic location: 1q21.3.
Variant type: single nucleotide variant.
Coding change: c.1108C>A on transcript NM_020699.4 (MANE Select); coding-DNA position 1108, C replaced by A.
Protein change: p.Pro370Thr; replaces proline 370 with threonine.
Molecular consequence: missense variant.
Genome position (GRCh38, 1-based): chr1:153,816,381, G>T on the plus strand (C>A on the coding strand, the complement: GATAD2B is on the minus strand). VCF-style: chr1-153816381-G-T. GRCh37 (hg19) VCF-style: chr1-153788857-G-T.
Other names: short protein forms P370T.
Identifiers: ClinVar variation 2703583 (VCV002703583.3), dbSNP rs2525247850, ClinGen allele CA342527219.
Genomic context (GRCh38, chr1:153,816,381, plus strand): 5'-AGATGAACTCGCTATTGGCTGCACTAGGCAAGAAATGAAGTAAGGGAGCAGGAGGTTTAG[G>T]GGGTGGGATCTCCAGGAGTGTCTTTTCCAGCTGTTTGCGAAGAGCCAATTTGGCTGCAGC-3'
Protein context (NP_065750.1, residues 360-380): LEKTLLEIPP[Pro370Thr]KPPAPLLHFL

ClinVar aggregate classification (germline): Uncertain significance (1 of 4 stars; one submission).

Submission:

Labcorp Genetics (formerly Invitae), Labcorp
Classification: Uncertain significance. Last evaluated: 2024-01-02. Review status: criteria provided, single submitter. Criteria: Invitae Variant Classification Sherloc (09022015). Collection method: clinical testing. Allele origin: germline.
Comment: This sequence change replaces proline, which is neutral and non-polar, with threonine, which is neutral and polar, at codon 370 of the GATAD2B protein (p.Pro370Thr). This variant is not present in population databases (gnomAD no frequency). This variant has not been reported in the literature in individuals affected with GATAD2B-related conditions. Advanced modeling of protein sequence and biophysical properties (such as structural, functional, and spatial information, amino acid conservation, physicochemical variation, residue mobility, and thermodynamic stability) performed at Invitae indicates that this missense variant is expected to disrupt GATAD2B protein function with a positive predictive value of 80%. In summary, the available evidence is currently insufficient to determine the role of this variant in disease. Therefore, it has been classified as a Variant of Uncertain Significance.